The following is an entry in ClinVar:

ClinVar aggregate classification (germline): Uncertain significance (1 of 4 stars; one submission).

Conditions:
Emery-Dreifuss muscular dystrophy 5, autosomal dominant (EDMD5). Also called: EMERY-DREIFUSS MUSCULAR DYSTROPHY 5. Identifiers: Orphanet 261, MedGen C2751805, MONDO:0013072, OMIM 612999.

Allele frequency attached by ClinVar (database versions not stated): ExAC 0.00001; gnomAD 0.00001.
gnomAD v4.1: 12 of 1,614,008 alleles (0.00074%); highest among the groups gnomAD compares: Non-Finnish European, 0.00085%; no homozygotes.

Submission:

Labcorp Genetics (formerly Invitae), Labcorp
Classification: Uncertain significance for Emery-Dreifuss muscular dystrophy 5, autosomal dominant. Last evaluated: 2023-10-05. Review status: criteria provided, single submitter. Criteria: Invitae Variant Classification Sherloc (09022015). Collection method: clinical testing. Allele origin: germline.
Comment: This sequence change replaces arginine, which is basic and polar, with glutamine, which is neutral and polar, at codon 6040 of the SYNE2 protein (p.Arg6040Gln). This variant is present in population databases (rs771640360, gnomAD 0.006%). This variant has not been reported in the literature in individuals affected with SYNE2-related conditions. An algorithm developed to predict the effect of missense changes on protein structure and function (PolyPhen-2) suggests that this variant is likely to be disruptive. In summary, the available evidence is currently insufficient to determine the role of this variant in disease. Therefore, it has been classified as a Variant of Uncertain Significance.

NM_182914.3(SYNE2):c.18119G>A (p.Arg6040Gln)

Gene: SYNE2 (spectrin repeat containing nuclear envelope protein 2; plus strand). Cytogenetic location: 14q23.2.
Variant type: single nucleotide variant.
Coding change: c.18119G>A on transcript NM_182914.3 (MANE Select); coding-DNA position 18119, G replaced by A.
Protein change: p.Arg6040Gln; replaces arginine 6040 with glutamine.
Molecular consequence: missense variant.
Genome position (GRCh38, 1-based): chr14:64,202,881, G>A. VCF-style: chr14-64202881-G-A. GRCh37 (hg19) VCF-style: chr14-64669599-G-A.
Other names: c.18119G>A, p.Arg6040Gln (NM_015180.6); short protein forms R6040Q.
Identifiers: ClinVar variation 2742236 (VCV002742236.3), dbSNP rs771640360, ClinGen allele CA7223951.